The following is an entry in ClinVar:

NM_020975.6(RET):c.74-158G>T

Gene: RET (ret proto-oncogene; plus strand). Cytogenetic location: 10q11.21.
Variant type: single nucleotide variant.
Coding change: c.74-158G>T on transcript NM_020975.6 (MANE Select); 158 bases into the intron before coding-DNA position 74, G replaced by T.
Molecular consequence: intron variant.
Genome position (GRCh38, 1-based): chr10:43,100,301, G>T. VCF-style: chr10-43100301-G-T. GRCh37 (hg19) VCF-style: chr10-43595749-G-T.
Other names: c.74-158G>T (NM_020630.7, NM_001406743.1, NM_001406744.1 and 32 more transcripts); c.74-8730G>T (NM_001406784.1); c.74-11798G>T (NM_001406794.1, NM_001406792.1, NM_001406793.1).
Identifiers: ClinVar variation 677842 (VCV000677842.3), dbSNP rs112834982, ClinGen allele CA206713100.
Genomic context (GRCh38, chr10:43,100,301, plus strand): 5'-GGATACTGCTTCCCCTGTTTCCTTTTCTTTTTCTGTTTTAAAGCAGTTCTTTTCTAGCCC[G>T]TGTGTAACTATACAAATAATTGAGTGTTCATGTTCTCAGGAACAGAGATGAAAAACTCCT-3'

ClinVar aggregate classification (germline): Likely benign (1 of 4 stars; one submission).

Allele frequency attached by ClinVar (database versions not stated): 1000 Genomes Project 0.00619; 1000 Genomes Project 30x 0.00687; TOPMed 0.00880.
gnomAD v4.1: 1,200 of 152,068 alleles (0.79%); highest among the groups gnomAD compares: African/African-American, 2.8%; 16 homozygotes.

Submission:

GeneDx
Classification: Likely benign. Last evaluated: 2018-06-12. Review status: criteria provided, single submitter. Criteria: GeneDx Variant Classification (06012015). Collection method: clinical testing. Allele origin: germline. Affected: yes.
Comment: This variant is considered likely benign or benign based on one or more of the following criteria: it is a conservative change, it occurs at a poorly conserved position in the protein, it is predicted to be benign by multiple in silico algorithms, and/or has population frequency not consistent with disease.